The following is an entry in ClinVar:

ClinVar aggregate classification (germline): Likely benign (1 of 4 stars; one submission).

Conditions:
SLC24A1-related disorder. Also called: SLC24A1-related condition.

Submission:

PreventionGenetics, part of Exact Sciences
Classification: Likely benign for SLC24A1-related condition. Last evaluated: 2025-06-10. Review status: criteria provided, single submitter. Criteria: ACMG Guidelines, 2015. Collection method: clinical testing. Allele origin: germline.
Comment: This variant is classified as likely benign based on ACMG/AMP sequence variant interpretation guidelines (Richards et al. 2015 PMID: 25741868, with internal and published modifications).

NM_004727.3(SLC24A1):c.87G>A (p.Leu29=)

Gene: SLC24A1 (solute carrier family 24 member 1; plus strand). Cytogenetic location: 15q22.31.
Variant type: single nucleotide variant.
Coding change: c.87G>A on transcript NM_004727.3 (MANE Select); coding-DNA position 87, G replaced by A.
Protein change: p.Leu29=; no amino-acid change (leucine 29 retained).
Molecular consequence: synonymous variant.
Genome position (GRCh38, 1-based): chr15:65,624,167, G>A. VCF-style: chr15-65624167-G-A. GRCh37 (hg19) VCF-style: chr15-65916505-G-A.
Other names: c.87G>A, p.Leu29= (NM_001301031.1, NM_001301032.1, NM_001301033.2 and 1 more transcripts).
Identifiers: ClinVar variation 4986078 (VCV004986078.1).
Genomic context (GRCh38, chr15:65,624,167, plus strand): 5'-GCAAGAGAGGTGGTTACTCCGGACAAAGCGGCTTCATTGGAGTCGCCTCCTCTTCTTACT[G>A]GGAATGTTGATCATCGGTTCTACTTATCAGCACCTTAGGAGACCCCGGGGCCTTTCCTCA-3'
Protein context (NP_004718.1, residues 19-39): RLHWSRLLFL[Leu29=]GMLIIGSTYQ